The following is an entry in ClinVar:

ClinVar aggregate classification (germline): Conflicting classifications of pathogenicity. Review status: criteria provided, conflicting classifications (1 of 4 stars). 3 submissions from 3 submitters: Uncertain significance (2); Likely benign (1). Last evaluated 2025-02-07.

Conditions:
Inborn genetic diseases. Identifiers: MedGen C0950123, MeSH D030342.
Finnish type amyloidosis. Also called: AMYLOID CRANIAL NEUROPATHY WITH LATTICE CORNEAL DYSTROPHY; AMYLOIDOSIS DUE TO MUTANT GELSOLIN; Amyloidosis, familial, Finnish type; Meretoja type amyloidosis; Amyloidosis 5; Lattice corneal dystrophy associated with familial systemic amyloidosis. Identifiers: Orphanet 85448, MedGen C1622345, MONDO:0007097, OMIM 105120.

Allele frequency attached by ClinVar (database versions not stated): TOPMed 0.00001; gnomAD 0.00003 and 0.00004; ExAC 0.00004; gnomAD exomes 0.00004; ESP Exome Variant Server 0.00008.
gnomAD v4.1: 58 of 1,613,716 alleles (0.0036%); highest among the groups gnomAD compares: East Asian, 0.029%; no homozygotes.

Submissions (3):

Labcorp Genetics (formerly Invitae), Labcorp
Classification: Uncertain significance. Last evaluated: 2025-02-07. Review status: criteria provided, single submitter. Criteria: Invitae Variant Classification Sherloc (09022015). Collection method: clinical testing. Allele origin: germline.
Comment: This sequence change replaces tyrosine, which is neutral and polar, with cysteine, which is neutral and slightly polar, at codon 469 of the GSN protein (p.Tyr469Cys). This variant is present in population databases (rs375227932, gnomAD 0.04%). This variant has not been reported in the literature in individuals affected with GSN-related conditions. ClinVar contains an entry for this variant (Variation ID: 1436245). Invitae Evidence Modeling of protein sequence and biophysical properties (such as structural, functional, and spatial information, amino acid conservation, physicochemical variation, residue mobility, and thermodynamic stability) indicates that this missense variant is expected to disrupt GSN protein function with a positive predictive value of 80%. In summary, the available evidence is currently insufficient to determine the role of this variant in disease. Therefore, it has been classified as a Variant of Uncertain Significance.

Fulgent Genetics
Classification: Uncertain significance for Finnish type amyloidosis. Last evaluated: 2024-03-12. Review status: criteria provided, single submitter. Criteria: ACMG Guidelines, 2015. Collection method: clinical testing. Allele origin: germline.

Ambry Genetics
Classification: Likely benign for Inborn genetic diseases. Last evaluated: 2023-01-06. Review status: criteria provided, single submitter. Criteria: Ambry Variant Classification Scheme 2023. Collection method: clinical testing. Allele origin: germline.

NM_198252.3(GSN):c.1253A>G (p.Tyr418Cys)

Gene: GSN (gelsolin; plus strand). Cytogenetic location: 9q33.2.
Variant type: single nucleotide variant.
Coding change: c.1253A>G on transcript NM_198252.3 (MANE Select); coding-DNA position 1253, A replaced by G.
Protein change: p.Tyr418Cys; replaces tyrosine 418 with cysteine.
Molecular consequence: missense variant.
Genome position (GRCh38, 1-based): chr9:121,321,329, A>G. VCF-style: chr9-121321329-A-G. GRCh37 (hg19) VCF-style: chr9-124083607-A-G.
Other names: c.1406A>G, p.Tyr469Cys (NM_000177.5); c.1253A>G, p.Tyr418Cys (NM_001127662.2, NM_001127664.2, NM_001127665.2 and 10 more transcripts); c.1361A>G, p.Tyr454Cys (NM_001127663.2); c.1286A>G, p.Tyr429Cys (NM_001127666.2, NM_001127667.2, NM_001353063.2 and 13 more transcripts); c.1304A>G, p.Tyr435Cys (NM_001258029.2); c.1277A>G, p.Tyr426Cys (NM_001258030.2); c.1325A>G, p.Tyr442Cys (NM_001353076.2); c.599A>G, p.Tyr200Cys (NM_001353078.2); and 1 more; short protein forms Y418C, Y442C, Y469C, Y454C, Y429C, Y200C, Y426C, Y435C.
Identifiers: ClinVar variation 1436245 (VCV001436245.10), dbSNP rs375227932, ClinGen allele CA5221198.
Genomic context (GRCh38, chr9:121,321,329, plus strand): 5'-TCTGGAGAATCGAAGGTTCCAACAAGGTGCCCGTGGACCCTGCCACATATGGACAGTTCT[A>G]TGGAGGCGACAGCTACATCATTCTGTACAACTACCGCCATGGTGGCCGCCAGGGGCAGAT-3'
Protein context (NP_937895.1, residues 408-428): PVDPATYGQF[Tyr418Cys]GGDSYIILYN